The following is an entry in ClinVar:

ClinVar aggregate classification (germline): Uncertain significance (1 of 4 stars; one submission).

Conditions:
SCNN1B-related disorder. Also called: SCNN1B-related condition.

Submission:

PreventionGenetics, part of Exact Sciences
Classification: Uncertain significance for SCNN1B-related condition. Last evaluated: 2023-08-25. Review status: criteria provided, single submitter. Criteria: ACMG Guidelines, 2015. Collection method: clinical testing. Allele origin: germline.
Comment: The SCNN1B c.776+5G>A variant is predicted to interfere with splicing. To our knowledge, this variant has not been reported in the literature or in a large population database, indicating this variant is rare. Although we suspect that this variant may be pathogenic, at this time, the clinical significance of this variant is uncertain due to the absence of conclusive functional and genetic evidence.

NM_000336.3(SCNN1B):c.776+5G>A

Gene: SCNN1B (sodium channel epithelial 1 subunit beta; plus strand). Cytogenetic location: 16p12.2.
Variant type: single nucleotide variant.
Coding change: c.776+5G>A on transcript NM_000336.3 (MANE Select); 5 bases into the intron after coding-DNA position 776, G replaced by A.
Molecular consequence: intron variant.
Genome position (GRCh38, 1-based): chr16:23,355,494, G>A. VCF-style: chr16-23355494-G-A. GRCh37 (hg19) VCF-style: chr16-23366815-G-A.
Other names: c.776+5G>A (NM_001410900.1).
Identifiers: ClinVar variation 2629072 (VCV002629072.1), dbSNP rs1962400971, ClinGen allele CA2695197568.